The following is an entry in ClinVar:

NM_001365536.1(SCN9A):c.2767G>A (p.Val923Met)

Genes: SCN1A-AS1 (SCN1A and SCN9A antisense RNA 1; plus strand), SCN9A (sodium voltage-gated channel alpha subunit 9; minus strand). Cytogenetic location: 2q24.3.
Variant type: single nucleotide variant.
Coding change: c.2767G>A on transcript NM_001365536.1 (MANE Select); coding-DNA position 2767, G replaced by A.
Protein change: p.Val923Met; replaces valine 923 with methionine.
Molecular consequence: missense variant. On other transcripts: non-coding transcript variant (1).
Genome position (GRCh38, 1-based): chr2:166,277,090, C>T on the plus strand (G>A on the coding strand, the complement: SCN9A is on the minus strand). VCF-style: chr2-166277090-C-T. GRCh37 (hg19) VCF-style: chr2-167133600-C-T.
Other names: c.2734G>A, p.Val912Met (NM_002977.4); short protein forms V912M, V923M.
Identifiers: ClinVar variation 864098 (VCV000864098.12), dbSNP rs746356598, ClinGen allele CA1944206.

ClinVar aggregate classification (germline): Uncertain significance. Review status: criteria provided, multiple submitters, no conflicts (2 of 4 stars). 4 submissions from 4 submitters: Uncertain significance (4). Last evaluated 2026-04-21.

Conditions:
Inborn genetic diseases. Identifiers: MedGen C0950123, MeSH D030342.
Neuropathy, hereditary sensory and autonomic, type 2A (HSAN2A). Also called: HSAN IIA; WNK1-Related HSAN2 (HSAN2A); ACROOSTEOLYSIS, GIACCAI TYPE; ACROOSTEOLYSIS, NEUROGENIC; MORVAN DISEASE; NEUROPATHY, CONGENITAL SENSORY. Identifiers: Orphanet 970, MedGen C2752089, MONDO:0024309, OMIM 201300.
Generalized epilepsy with febrile seizures plus, type 7 (GEFSP7). Also called: GEFS+, TYPE 7. Identifiers: Orphanet 36387, MedGen C2751778, MONDO:0013470, OMIM 613863.

Allele frequency attached by ClinVar (database versions not stated): TOPMed below 0.00001; gnomAD 0.00001; gnomAD exomes 0.00001; ExAC 0.00002.
gnomAD v4.1: 28 of 1,614,050 alleles (0.0017%); highest among the groups gnomAD compares: East Asian, 0.0022%; no homozygotes.

Submissions (4):

Women's Health and Genetics/Laboratory Corporation of America, LabCorp
Classification: Uncertain significance. Last evaluated: 2026-04-21. Review status: criteria provided, single submitter. Criteria: LabCorp Variant Classification Summary - May 2015. Collection method: clinical testing. Allele origin: germline.
Comment: Variant summary: SCN9A c.2734G>A (p.Val912Met) results in a conservative amino acid change in the encoded protein sequence. Algorithms developed to predict the effect of missense changes on protein structure and function are either unavailable or do not agree on the potential impact of this missense change. The variant allele was found at a frequency of 1.2e-05 in 251232 control chromosomes. The available data on variant occurrences in the general population are insufficient to allow any conclusion about variant significance. To our knowledge, no occurrence of c.2734G>A in individuals affected with SCN9A-related conditions and no experimental evidence demonstrating its impact on protein function have been reported. ClinVar contains an entry for this variant (Variation ID: 864098). Based on the evidence outlined above, the variant was classified as uncertain significance.

Labcorp Genetics (formerly Invitae), Labcorp
Classification: Uncertain significance for Neuropathy, hereditary sensory and autonomic, type 2A; Generalized epilepsy with febrile seizures plus, type 7. Last evaluated: 2025-09-15. Review status: criteria provided, single submitter. Criteria: Invitae Variant Classification Sherloc (09022015). Collection method: clinical testing. Allele origin: germline.
Comment: This sequence change replaces valine, which is neutral and non-polar, with methionine, which is neutral and non-polar, at codon 912 of the SCN9A protein (p.Val912Met). This variant is present in population databases (rs746356598, gnomAD 0.002%). This variant has not been reported in the literature in individuals affected with SCN9A-related conditions. ClinVar contains an entry for this variant (Variation ID: 864098). Invitae Evidence Modeling of protein sequence and biophysical properties (such as structural, functional, and spatial information, amino acid conservation, physicochemical variation, residue mobility, and thermodynamic stability) indicates that this missense variant is not expected to disrupt SCN9A protein function with a negative predictive value of 95%. In summary, the available evidence is currently insufficient to determine the role of this variant in disease. Therefore, it has been classified as a Variant of Uncertain Significance.

Revvity Omics, Revvity
Classification: Uncertain significance. Last evaluated: 2024-04-15. Review status: criteria provided, single submitter. Criteria: ACMG Guidelines, 2015. Collection method: clinical testing. Allele origin: germline.

Ambry Genetics
Classification: Uncertain significance for Inborn genetic diseases. Last evaluated: 2021-03-19. Review status: criteria provided, single submitter. Criteria: Ambry Variant Classification Scheme 2023. Collection method: clinical testing. Allele origin: germline.
Comment: The p.V912M variant (also known as c.2734G>A), located in coding exon 15 of the SCN9A gene, results from a G to A substitution at nucleotide position 2734. The valine at codon 912 is replaced by methionine, an amino acid with highly similar properties. This amino acid position is highly conserved in available vertebrate species. In addition, this alteration is predicted to be deleterious by in silico analysis. Since supporting evidence is limited at this time, the clinical significance of this alteration remains unclear.